The following is an entry in ClinVar:

ClinVar aggregate classification (germline): Uncertain significance (1 of 4 stars; one submission).

Conditions:
Neonatal-onset encephalopathy with rigidity and seizures. Also called: Lethal neonatal spasticity-epileptic encephalopathy syndrome. Identifiers: Orphanet 435845, MedGen C3281029, MONDO:0013784, OMIM 614498.

gnomAD v4.1: 1 of 1,609,180 alleles (0.000062%); highest among the groups gnomAD compares: Admixed American, 0.0017%; no homozygotes.

Submission:

Labcorp Genetics (formerly Invitae), Labcorp
Classification: Uncertain significance for Neonatal-onset encephalopathy with rigidity and seizures. Last evaluated: 2020-02-06. Review status: criteria provided, single submitter. Criteria: Invitae Variant Classification Sherloc (09022015). Collection method: clinical testing. Allele origin: germline.
Comment: In summary, the available evidence is currently insufficient to determine the role of this variant in disease. Therefore, it has been classified as a Variant of Uncertain Significance. Algorithms developed to predict the effect of sequence changes on RNA splicing suggest that this variant may create or strengthen a splice site, but this prediction has not been confirmed by published transcriptional studies. Algorithms developed to predict the effect of missense changes on protein structure and function (SIFT, PolyPhen-2, Align-GVGD) all suggest that this variant is likely to be tolerated, but these predictions have not been confirmed by published functional studies and their clinical significance is uncertain. This variant has not been reported in the literature in individuals with BRAT1-related conditions. This variant is not present in population databases (ExAC no frequency). This sequence change replaces proline with arginine at codon 583 of the BRAT1 protein (p.Pro583Arg). The proline residue is moderately conserved and there is a moderate physicochemical difference between proline and arginine.

NM_152743.4(BRAT1):c.1748C>G (p.Pro583Arg)

Gene: BRAT1 (BRCA1 associated ATM activator 1; minus strand). Cytogenetic location: 7p22.3.
Variant type: single nucleotide variant.
Coding change: c.1748C>G on transcript NM_152743.4 (MANE Select); coding-DNA position 1748, C replaced by G.
Protein change: p.Pro583Arg; replaces proline 583 with arginine.
Molecular consequence: missense variant. On other transcripts: non-coding transcript variant (1).
Genome position (GRCh38, 1-based): chr7:2,539,201, G>C on the plus strand (C>G on the coding strand, the complement: BRAT1 is on the minus strand). VCF-style: chr7-2539201-G-C. GRCh37 (hg19) VCF-style: chr7-2578835-G-C.
Other names: c.1748C>G, p.Pro583Arg (NM_001350626.2); c.1223C>G, p.Pro408Arg (NM_001350627.2); short protein forms P408R, P583R.
Identifiers: ClinVar variation 1053595 (VCV001053595.7), dbSNP rs776324979, ClinGen allele CA366626278.
Genomic context (GRCh38, chr7:2,539,201, plus strand): 5'-GGCGGGAGTTGCTGGCTGAGGAACCTGCCACCTCCTACCTGCCGGGCCTCTGCATGCTCA[G>C]GGCTGGTGGGGGCGTGCAGGCCCTGGCTGGACAGCTGCCCCATGGCGGTCACTGCACTCG-3'
Protein context (NP_689956.2, residues 573-593): SSQGLHAPTS[Pro583Arg]EHAEARQSLF